The following is an entry in ClinVar:

ClinVar aggregate classification (germline): Uncertain significance (1 of 4 stars; one submission).

Conditions:
Fanconi anemia (FA). Also called: Fanconi's anemia. Identifiers: Orphanet 84, MedGen C0015625, MeSH D005199, MONDO:0019391.

Submission:

Labcorp Genetics (formerly Invitae), Labcorp
Classification: Uncertain significance for Fanconi anemia. Last evaluated: 2022-09-15. Review status: criteria provided, single submitter. Criteria: Invitae Variant Classification Sherloc (09022015). Collection method: clinical testing. Allele origin: germline.
Comment: This sequence change replaces proline, which is neutral and non-polar, with serine, which is neutral and polar, at codon 602 of the FANCG protein (p.Pro602Ser). This variant is not present in population databases (gnomAD no frequency). This variant has not been reported in the literature in individuals affected with FANCG-related conditions. Advanced modeling of protein sequence and biophysical properties (such as structural, functional, and spatial information, amino acid conservation, physicochemical variation, residue mobility, and thermodynamic stability) performed at Invitae indicates that this missense variant is not expected to disrupt FANCG protein function. In summary, the available evidence is currently insufficient to determine the role of this variant in disease. Therefore, it has been classified as a Variant of Uncertain Significance.

NM_004629.2(FANCG):c.1804C>T (p.Pro602Ser)

Gene: FANCG (FA complementation group G; minus strand). Cytogenetic location: 9p13.3.
Variant type: single nucleotide variant.
Coding change: c.1804C>T on transcript NM_004629.2 (MANE Select); coding-DNA position 1804, C replaced by T.
Protein change: p.Pro602Ser; replaces proline 602 with serine.
Molecular consequence: missense variant.
Genome position (GRCh38, 1-based): chr9:35,074,173, G>A on the plus strand (C>T on the coding strand, the complement: FANCG is on the minus strand). VCF-style: chr9-35074173-G-A. GRCh37 (hg19) VCF-style: chr9-35074170-G-A.
Other names: short protein forms P602S.
Identifiers: ClinVar variation 2160492 (VCV002160492.4), dbSNP rs2490392573, ClinGen allele CA373299588.